The following is an entry in ClinVar:

ClinVar aggregate classification (germline): Conflicting classifications of pathogenicity. Review status: criteria provided, conflicting classifications (1 of 4 stars). 3 submissions from 3 submitters: Uncertain significance (2); Likely benign (1). Last evaluated 2025-04-09.

Conditions:
Inborn genetic diseases. Identifiers: MedGen C0950123, MeSH D030342.
Idiopathic generalized epilepsy. Also called: Generalised epilepsy; EIG. Identifiers: MedGen C0270850, MONDO:0005579, OMIM 600669.
Hyperaldosteronism, familial, type IV (HALD4). Also called: FH IV; ALDOSTERONISM, PRIMARY, AND HYPERTENSION. Identifiers: Orphanet 642671, MedGen C4310756, MONDO:0014875, OMIM 617027.
Epilepsy, childhood absence, susceptibility to, 6. Identifiers: Orphanet 64280, MedGen C2749872, MONDO:0012763, OMIM 611942.

Allele frequency attached by ClinVar (database versions not stated): gnomAD 0.00004; gnomAD exomes 0.00004 and 0.00007; TOPMed 0.00004; ExAC 0.00009.
gnomAD v4.1: 115 of 1,612,640 alleles (0.0071%); highest among the groups gnomAD compares: Non-Finnish European, 0.0086%; no homozygotes.

Submissions (3):

Labcorp Genetics (formerly Invitae), Labcorp
Classification: Uncertain significance for Idiopathic generalized epilepsy; Hyperaldosteronism, familial, type IV. Last evaluated: 2025-04-09. Review status: criteria provided, single submitter. Criteria: Invitae Variant Classification Sherloc (09022015). Collection method: clinical testing. Allele origin: germline.
Comment: This sequence change affects codon 1408 of the CACNA1H mRNA. It is a 'silent' change, meaning that it does not change the encoded amino acid sequence of the CACNA1H protein. It affects a nucleotide within the consensus splice site. This variant is present in population databases (rs771972820, gnomAD 0.01%). This variant has not been reported in the literature in individuals affected with CACNA1H-related conditions. ClinVar contains an entry for this variant (Variation ID: 964814). Algorithms developed to predict the effect of sequence changes on RNA splicing suggest that this variant is not likely to affect RNA splicing. In summary, the available evidence is currently insufficient to determine the role of this variant in disease. Therefore, it has been classified as a Variant of Uncertain Significance.

Ambry Genetics
Classification: Likely benign for Inborn genetic diseases. Last evaluated: 2023-06-29. Review status: criteria provided, single submitter. Criteria: Ambry Variant Classification Scheme 2023. Collection method: clinical testing. Allele origin: germline.

Fulgent Genetics
Classification: Uncertain significance for Epilepsy, childhood absence, susceptibility to, 6; Hyperaldosteronism, familial, type IV. Last evaluated: 2022-03-25. Review status: criteria provided, single submitter. Criteria: ACMG Guidelines, 2015. Collection method: clinical testing. Allele origin: unknown.

NM_021098.3(CACNA1H):c.4224G>A (p.Arg1408=)

Gene: CACNA1H (calcium voltage-gated channel subunit alpha1 H; plus strand). Cytogenetic location: 16p13.3.
Variant type: single nucleotide variant.
Coding change: c.4224G>A on transcript NM_021098.3 (MANE Select); coding-DNA position 4224, G replaced by A.
Protein change: p.Arg1408=; no amino-acid change (arginine 1408 retained).
Molecular consequence: synonymous variant.
Genome position (GRCh38, 1-based): chr16:1,211,168, G>A. VCF-style: chr16-1211168-G-A. GRCh37 (hg19) VCF-style: chr16-1261168-G-A.
Other names: c.4224G>A, p.Arg1408= (NM_001005407.2).
Identifiers: ClinVar variation 964814 (VCV000964814.12), dbSNP rs771972820, ClinGen allele CA7801229.